The following is an entry in ClinVar:

NM_006231.4(POLE):c.4290G>A (p.Gln1430=)

Gene: POLE (DNA polymerase epsilon, catalytic subunit; minus strand). Cytogenetic location: 12q24.33.
Variant type: single nucleotide variant.
Coding change: c.4290G>A on transcript NM_006231.4 (MANE Select); coding-DNA position 4290, G replaced by A.
Protein change: p.Gln1430=; no amino-acid change (glutamine 1430 retained).
Molecular consequence: synonymous variant.
Genome position (GRCh38, 1-based): chr12:132,643,837, C>T on the plus strand (G>A on the coding strand, the complement: POLE is on the minus strand). VCF-style: chr12-132643837-C-T. GRCh37 (hg19) VCF-style: chr12-133220423-C-T.
Identifiers: ClinVar variation 3935680 (VCV003935680.1).

ClinVar aggregate classification (germline): Uncertain significance (1 of 4 stars; one submission).

Conditions:
Hereditary cancer-predisposing syndrome. Also called: Tumor predisposition; Hereditary neoplastic syndrome; Hereditary Cancer Syndrome; Neoplastic Syndromes, Hereditary. Identifiers: Orphanet 140162, MedGen C0027672, MeSH D009386, MONDO:0015356.

Submission:

Ambry Genetics
Classification: Uncertain significance for Hereditary cancer-predisposing syndrome. Last evaluated: 2025-05-25. Review status: criteria provided, single submitter. Criteria: Ambry Variant Classification Scheme 2023. Collection method: clinical testing. Allele origin: germline.
Comment: The c.4290G>A variant (also known as p.Q1430Q), located in coding exon 33 of the POLE gene, results from a G to A substitution at nucleotide position 4290. This nucleotide substitution does not change the codon at 1430. However, this change occurs in the last base pair of coding exon 33, which makes it likely to have some effect on normal mRNA splicing. This nucleotide position is highly conserved in available vertebrate species. In silico splice site analysis predicts that this alteration will weaken the native splice donor site and may result in the creation or strengthening of a novel splice donor site. RNA studies have demonstrated that this alteration results in a transcript predicted to lead to a protein with an in-frame insertion of forty amino acids; however, the exact functional impact of the inserted amino acids is unknown at this time (Ambry internal data). Based on the available evidence, the clinical significance of this variant remains unclear.